The following is an entry in ClinVar:

NM_025114.4(CEP290):c.5416A>T (p.Lys1806Ter)

Gene: CEP290 (centrosomal protein 290; minus strand). Cytogenetic location: 12q21.32.
Variant type: single nucleotide variant.
Coding change: c.5416A>T on transcript NM_025114.4 (MANE Select); coding-DNA position 5416, A replaced by T.
Protein change: p.Lys1806Ter; replaces lysine 1806 with a stop codon.
Molecular consequence: nonsense.
Genome position (GRCh38, 1-based): chr12:88,077,867, T>A on the plus strand (A>T on the coding strand, the complement: CEP290 is on the minus strand). VCF-style: chr12-88077867-T-A. GRCh37 (hg19) VCF-style: chr12-88471644-T-A.
Other names: short protein forms K1806*.
Identifiers: ClinVar variation 2945619 (VCV002945619.3), dbSNP rs2499860456, ClinGen allele CA385988981.

ClinVar aggregate classification (germline): Pathogenic (1 of 4 stars; one submission).

Conditions:
Joubert syndrome. Also called: CEREBELLOPARENCHYMAL DISORDER IV; JOUBERT-BOLTSHAUSER SYNDROME; Familial aplasia of the vermis. Identifiers: Orphanet 475, MedGen C5979921, MONDO:0018772.
Nephronophthisis. Also called: Juvenile Nephronophthisis. Identifiers: Orphanet 655, MedGen C0687120, MONDO:0019005, HP:0000090.
Meckel-Gruber syndrome. Also called: DYSENCEPHALIA SPLANCHNOCYSTICA; GRUBER SYNDROME; Dysencephalia splachnocystica. Identifiers: Orphanet 564, MedGen C0265215, MONDO:0018921.

Submission:

Labcorp Genetics (formerly Invitae), Labcorp
Classification: Pathogenic for Joubert syndrome; Meckel-Gruber syndrome; Nephronophthisis. Last evaluated: 2025-03-31. Review status: criteria provided, single submitter. Criteria: Invitae Variant Classification Sherloc (09022015). Collection method: clinical testing. Allele origin: germline.
Comment: This sequence change creates a premature translational stop signal (p.Lys1806*) in the CEP290 gene. It is expected to result in an absent or disrupted protein product. Loss-of-function variants in CEP290 are known to be pathogenic (PMID: 16909394, 17345604, 20690115). This variant is not present in population databases (gnomAD no frequency). This variant has not been reported in the literature in individuals affected with CEP290-related conditions. ClinVar contains an entry for this variant (Variation ID: 2945619). For these reasons, this variant has been classified as Pathogenic.

Literature cited by the submitters: PubMed 16909394; PubMed 17345604; PubMed 20690115.